The following is an entry in ClinVar:

ClinVar aggregate classification (germline): Pathogenic. Review status: criteria provided, multiple submitters, no conflicts (2 of 4 stars). 3 submissions from 3 submitters: Pathogenic (3). Last evaluated 2024-01-01.

Conditions:
Diamond-Blackfan anemia 1 (DBA1). Also called: RPS19-Related Diamond-Blackfan Anemia; BLACKFAN-DIAMOND SYNDROME; ANEMIA, CONGENITAL HYPOPLASTIC, OF BLACKFAN AND DIAMOND; ANEMIA, CONGENITAL ERYTHROID HYPOPLASTIC; RED CELL APLASIA, PURE, HEREDITARY; AREGENERATIVE ANEMIA, CHRONIC CONGENITAL. Identifiers: Orphanet 124, MedGen C2676137, MONDO:0007110, OMIM 105650.
Diamond-Blackfan anemia. Also called: Blackfan Diamond syndrome; Aregenerative anemia chronic congenital; Red cell aplasia, pure hereditary; Congenital hypoplastic anemia; Aase syndrome. Identifiers: Orphanet 124, MedGen C1260899, MeSH D029503, MONDO:0015253, HP:0004810.

Submissions (3):

Daryl Scott Lab, Baylor College of Medicine
Classification: Pathogenic for Diamond-Blackfan anemia 1. Last evaluated: 2024-01-01. Review status: criteria provided, single submitter. Criteria: ACMG Guidelines, 2015. Collection method: clinical testing. Allele origin: de novo. Affected: yes. Observed: 1 heterozygote.
Comment: PVS1, PS2, PM2

Labcorp Genetics (formerly Invitae), Labcorp
Classification: Pathogenic for Diamond-Blackfan anemia. Last evaluated: 2022-11-28. Review status: criteria provided, single submitter. Criteria: Invitae Variant Classification Sherloc (09022015). Collection method: clinical testing. Allele origin: germline.
Comment: For these reasons, this variant has been classified as Pathogenic. This variant results in an extension of the RPS19 protein. Other variant(s) that result in a similarly extended protein product (p.Asp130Ser_fs*23) have been determined to be pathogenic (PMID: 25946618). This suggests that these extensions are likely to be disease-causing. This variant has not been reported in the literature in individuals affected with RPS19-related conditions. This variant is not present in population databases (gnomAD no frequency). This sequence change results in a frameshift in the RPS19 gene (p.Arg129Lysfs*25). While this is not anticipated to result in nonsense mediated decay, it is expected to disrupt the last 17 amino acid(s) of the RPS19 protein and extend the protein by 7 additional amino acid residues.

Ambry Genetics
Classification: Pathogenic for Diamond-Blackfan anemia. Last evaluated: 2016-04-21. Review status: criteria provided, single submitter. Criteria: Ambry Variant Classification Scheme 2023. Collection method: clinical testing. Allele origin: germline.
Comment: The c.385dupA pathogenic mutation, located in coding exon 4 of the RPS19 gene, results from a duplication of A at nucleotide position 385. This duplication occurs near the 3' terminus of RPS19 and result in the elongation of the protein by 7 amino acids (p.R129Kfs*25). This mutation perturbs a known motif responsible for signaling and interaction with chromatin, in addition to inserting extraneous residues into the constrained environment of the complex (Lorini et al. Eur. J. Pediatr 1986.;145(3):182-4; Downey et al.Mol. Cell Proteomics 2015;14(1):162-76). In addition, since frameshifts are typically deleterious in nature, this alteration is interpreted as a disease-causing mutation (ACMG Recommendations for Standards for Interpretation and Reporting of Sequence Variations. Revision 2007. Genet Med. 2008;10:294).

Literature cited by the submitters: PubMed 25946618 (cited by Labcorp Genetics (formerly Invitae), Labcorp); PubMed 25381059 (cited by Ambry Genetics); PubMed 3769971 (cited by Ambry Genetics).

NM_001022.4(RPS19):c.385dup (p.Arg129fs)

Genes: RPS19 (ribosomal protein S19; plus strand), RPS19-CD79A (RPS19-CD79A readthrough; plus strand). Cytogenetic location: 19q13.2.
Variant type: Duplication.
Coding change: c.385dup on transcript NM_001022.4 (MANE Select); coding-DNA position 385, one base duplicated (A; older notation c.385dupA).
Protein change: p.Arg129fs; shifts the reading frame from arginine 129.
Molecular consequence: frameshift variant.
Genome position (GRCh38, 1-based): chr19:41,869,727, A duplicated; the last of 3 consecutive A bases (chr19:41,869,725-41,869,727); duplicating any one gives the same sequence. VCF-style (leftmost placement, unchanged base first): chr19-41869724-C-CA. GRCh37 (hg19) VCF-style: chr19-42373794-C-CA.
Other names: c.385dup, p.Arg129fs (NM_001321483.2, NM_001321484.2); c.398dup, p.Arg134fs (NM_001321485.2); c.385dupA (NM_001022.4); short protein forms R134fs, R129fs.
Identifiers: ClinVar variation 1735592 (VCV001735592.5), dbSNP rs869066130, ClinGen allele CA920112617.